The following is an entry in ClinVar:

NM_006231.4(POLE):c.2645A>G (p.Asn882Ser)

Gene: POLE (DNA polymerase epsilon, catalytic subunit; minus strand). Cytogenetic location: 12q24.33.
Variant type: single nucleotide variant.
Coding change: c.2645A>G on transcript NM_006231.4 (MANE Select); coding-DNA position 2645, A replaced by G.
Protein change: p.Asn882Ser; replaces asparagine 882 with serine.
Molecular consequence: missense variant.
Genome position (GRCh38, 1-based): chr12:132,664,065, T>C on the plus strand (A>G on the coding strand, the complement: POLE is on the minus strand). VCF-style: chr12-132664065-T-C. GRCh37 (hg19) VCF-style: chr12-133240651-T-C.
Other names: short protein forms N882S.
Identifiers: ClinVar variation 240439 (VCV000240439.23), dbSNP rs539312991, ClinGen allele CA6893485.

ClinVar aggregate classification (germline): Conflicting classifications of pathogenicity. Review status: criteria provided, conflicting classifications (1 of 4 stars). 12 submissions from 12 submitters: Uncertain significance (8); Likely benign (3). 1 of the submissions does not count toward it. Last evaluated 2026-03-24.

Conditions:
Polymerase proofreading-related adenomatous polyposis. Also called: Polymerase proofreading associated polyposis; Polymerase proofreading–associated polyposis (PPAP). Identifiers: Orphanet 447877, MedGen C5202613, MONDO:0018653.
Hereditary cancer-predisposing syndrome. Also called: Neoplastic Syndromes, Hereditary; Hereditary Cancer Syndrome; Tumor predisposition; Hereditary neoplastic syndrome. Identifiers: Orphanet 140162, MedGen C0027672, MeSH D009386, MONDO:0015356.
Colorectal cancer, susceptibility to, 12 (CRCS12). Also called: COLORECTAL CANCER, SUSCEPTIBILITY TO, ON CHROMOSOME 12q24. Identifiers: Orphanet 220460, MedGen C3554460, MONDO:0014038, OMIM 615083.

Allele frequency attached by ClinVar (database versions not stated): TOPMed 0.00002; ExAC 0.00005; gnomAD 0.00005; gnomAD exomes 0.00005.
gnomAD v4.1: 85 of 1,614,100 alleles (0.0053%); highest among the groups gnomAD compares: Middle Eastern, 0.066%; no homozygotes.

Submissions (12):

Women's Health and Genetics/Laboratory Corporation of America, LabCorp
Classification: Uncertain significance. Last evaluated: 2026-03-24. Review status: criteria provided, single submitter. Criteria: LabCorp Variant Classification Summary - May 2015. Collection method: clinical testing. Allele origin: germline.
Comment: Variant summary: POLE c.2645A>G (p.Asn882Ser) results in a conservative amino acid change in the encoded protein sequence. Algorithms developed to predict the effect of missense changes on protein structure and function are either unavailable or do not agree on the potential impact of this missense change. The variant allele was found at a frequency of 4.8e-05 in 251482 control chromosomes. This frequency is not significantly higher than estimated for disease-causing variants in POLE, allowing no conclusion about variant significance. c.2645A>G has been observed in individual(s) affected with Breast Cancer (Guindalini_2022). These report(s) do not provide unequivocal conclusions about association of the variant with Facial Dysmorphism, Immunodeficiency, Livedo, And Short Stature and other POLE related diseases. To our knowledge, no experimental evidence demonstrating an impact on protein function has been reported. The following publication has been ascertained in the context of this evaluation (PMID: 35264596). ClinVar contains an entry for this variant (Variation ID: 240439). Based on the evidence outlined above, the variant was classified as uncertain significance.

Center for Genomic Medicine, Rigshospitalet, Copenhagen University Hospital
Classification: Uncertain significance. Last evaluated: 2025-12-29. Review status: criteria provided, single submitter. Criteria: ACMG Guidelines, 2015. Collection method: clinical testing. Allele origin: germline.

Labcorp Genetics (formerly Invitae), Labcorp
Classification: Uncertain significance. Last evaluated: 2025-11-30. Review status: criteria provided, single submitter. Criteria: Invitae Variant Classification Sherloc (09022015). Collection method: clinical testing. Allele origin: germline.
Comment: This sequence change replaces asparagine, which is neutral and polar, with serine, which is neutral and polar, at codon 882 of the POLE protein (p.Asn882Ser). This variant is present in population databases (rs539312991, gnomAD 0.009%). This missense change has been observed in individual(s) with breast cancer (PMID: 25923920). ClinVar contains an entry for this variant (Variation ID: 240439). Invitae Evidence Modeling of protein sequence and biophysical properties (such as structural, functional, and spatial information, amino acid conservation, physicochemical variation, residue mobility, and thermodynamic stability) indicates that this missense variant is not expected to disrupt POLE protein function with a negative predictive value of 80%. In summary, the available evidence is currently insufficient to determine the role of this variant in disease. Therefore, it has been classified as a Variant of Uncertain Significance.

Laboratorio de I+D, Fundación Centro Médico de Asturias
Classification: Likely benign for Hereditary cancer-predisposing syndrome. Last evaluated: 2025-07-13. Review status: criteria provided, single submitter. Criteria: ACMG Guidelines, 2015. Collection method: clinical testing. Allele origin: germline.
Comment: BP4_Strong+BP1_Supporting+PM2_Supporting

Ambry Genetics
Classification: Likely benign for Hereditary cancer-predisposing syndrome. Last evaluated: 2024-10-17. Review status: criteria provided, single submitter. Criteria: Ambry Variant Classification Scheme 2023. Collection method: clinical testing. Allele origin: germline.

Blueprint Genetics
Classification: Likely benign. Last evaluated: 2024-05-28. Review status: criteria provided, single submitter. Criteria: ACMG Guidelines, 2015. Collection method: clinical testing. Allele origin: germline.

GeneDx
Classification: Uncertain significance. Last evaluated: 2022-06-06. Review status: criteria provided, single submitter. Criteria: GeneDx Variant Classification Process June 2021. Collection method: clinical testing. Allele origin: germline. Affected: yes.
Comment: In silico analysis, which includes protein predictors and evolutionary conservation, supports that this variant does not alter protein structure/function; Observed in individuals with a personal or family history of breast cancer (Merdad et al., 2015); This variant is associated with the following publications: (PMID: 25923920)

Baylor Genetics
Classification: Uncertain significance for Colorectal cancer, susceptibility to, 12. Last evaluated: 2020-07-14. Review status: criteria provided, single submitter. Criteria: ACMG Guidelines, 2015. Collection method: clinical testing. Allele origin: paternal. Affected: yes. Study: CSER-TexasKidsCanSeq.
Comment: This variant was determined to be of uncertain significance according to ACMG Guidelines, 2015 [PMID:25741868].

Department of Pathology and Laboratory Medicine, Sinai Health System
Classification: Uncertain significance for Polymerase proofreading-related adenomatous polyposis. Last evaluated: 2019-11-22. Review status: criteria provided, single submitter. Criteria: ACMG Guidelines, 2015. Collection method: clinical testing. Allele origin: germline. Affected: yes.

Mendelics
Classification: Uncertain significance for Colorectal cancer, susceptibility to, 12. Last evaluated: 2019-05-28. Review status: criteria provided, single submitter. Criteria: Mendelics Assertion Criteria 2017. Collection method: clinical testing. Allele origin: unknown.

Quest Diagnostics Nichols Institute San Juan Capistrano
Classification: Uncertain significance. Last evaluated: 2017-06-06. Review status: criteria provided, single submitter. Criteria: Quest Diagnostics criteria. Collection method: clinical testing. Allele origin: germline.

True Health Diagnostics
Classification: Uncertain significance for Hereditary cancer-predisposing syndrome. Last evaluated: 2017-10-10. Review status: no assertion criteria provided. Collection method: clinical testing. Allele origin: germline. Not counted in ClinVar's aggregate classification.

Literature cited by the submitters: PubMed 35264596 (cited by Women's Health and Genetics/Laboratory Corporation of America, LabCorp); PubMed 25923920 (cited by 3 submitters).